The following is an entry in ClinVar:

NM_201384.3(PLEC):c.798G>A (p.Pro266=)

Gene: PLEC (plectin; minus strand). Cytogenetic location: 8q24.3.
Variant type: single nucleotide variant.
Coding change: c.798G>A on transcript NM_201384.3 (MANE Select); coding-DNA position 798, G replaced by A.
Protein change: p.Pro266=; no amino-acid change (proline 266 retained).
Molecular consequence: synonymous variant.
Genome position (GRCh38, 1-based): chr8:143,935,038, C>T on the plus strand (G>A on the coding strand, the complement: PLEC is on the minus strand). VCF-style: chr8-143935038-C-T. GRCh37 (hg19) VCF-style: chr8-145009206-C-T.
Other names: c.879G>A, p.Pro293= (NM_000445.5); c.756G>A, p.Pro252= (NM_201378.4); c.732G>A, p.Pro244= (NM_201379.3); c.1209G>A, p.Pro403= (NM_201380.4); c.702G>A, p.Pro234= (NM_201381.3); c.798G>A, p.Pro266= (NM_201382.4); c.810G>A, p.Pro270= (NM_201383.3).
Identifiers: ClinVar variation 384698 (VCV000384698.9), dbSNP rs201729389, ClinGen allele CA4928314.

ClinVar aggregate classification (germline): Likely benign. Review status: criteria provided, multiple submitters, no conflicts (2 of 4 stars). 3 submissions from 3 submitters: Likely benign (3). Last evaluated 2026-06-30.

Conditions:
PLEC-related disorder. Also called: PLEC-related disorders; PLEC-related condition.
Autosomal recessive limb-girdle muscular dystrophy type 2Q (LGMDR17). Also called: MUSCULAR DYSTROPHY, LIMB-GIRDLE, AUTOSOMAL RECESSIVE 17. Identifiers: Orphanet 254361, MedGen C3150989, MONDO:0013390, OMIM 613723.
Epidermolysis bullosa simplex 5B, with muscular dystrophy (EBS5B). Also called: EPIDERMOLYSIS BULLOSA SIMPLEX AND LIMB-GIRDLE MUSCULAR DYSTROPHY; Epidermolysis bullosa simplex with muscular dystrophy. Identifiers: Orphanet 257, MedGen C2931072, MONDO:0009181, OMIM 226670.
Epidermolysis bullosa simplex with nail dystrophy (EBS5D). Identifiers: MedGen C4225309, MONDO:0014661, OMIM 616487.
Epidermolysis bullosa simplex, Ogna type (EBS5A). Also called: Pidermolysis bullosa simplex 5A, Ogna type; EPIDERMOLYSIS BULLOSA SIMPLEX 5A, OGNA TYPE. Identifiers: Orphanet 79401, MedGen C0432317, MONDO:0007555, OMIM 131950.
Epidermolysis bullosa simplex 5C, with pyloric atresia (EBS5C). Also called: PLEC1-Related Epidermolysis Bullosa with Pyloric Atresia; PLEC-Related Epidermolysis Bullosa with Pyloric Atresia; Epidermolysis bullosa simplex with pyloric atresia. Identifiers: Orphanet 158684, MedGen C2677349, MONDO:0012807, OMIM 612138.

Allele frequency attached by ClinVar (database versions not stated): ExAC 0.00003; gnomAD exomes 0.00004 and 0.00005; gnomAD 0.00006 and 0.00007; TOPMed 0.00008; 1000 Genomes Project 30x 0.00016; 1000 Genomes Project 0.00020.
gnomAD v4.1: 62 of 1,612,748 alleles (0.0038%); highest among the groups gnomAD compares: Middle Eastern, 0.016%; 1 homozygote.

Submissions (3):

PreventionGenetics, part of Exact Sciences
Classification: Likely benign for PLEC-related condition. Last evaluated: 2026-06-30. Review status: criteria provided, single submitter. Criteria: ACMG Guidelines, 2015. Collection method: clinical testing. Allele origin: germline.
Comment: This variant is classified as likely benign based on ACMG/AMP sequence variant interpretation guidelines (Richards et al. 2015 PMID: 25741868, with internal and published modifications).

Labcorp Genetics (formerly Invitae), Labcorp
Classification: Likely benign for Autosomal recessive limb-girdle muscular dystrophy type 2Q; Epidermolysis bullosa simplex, Ogna type; Epidermolysis bullosa simplex with nail dystrophy; Epidermolysis bullosa simplex 5C, with pyloric atresia; Epidermolysis bullosa simplex 5B, with muscular dystrophy. Last evaluated: 2025-10-26. Review status: criteria provided, single submitter. Criteria: Invitae Variant Classification Sherloc (09022015). Collection method: clinical testing. Allele origin: germline.

GeneDx
Classification: Likely benign. Last evaluated: 2016-06-30. Review status: criteria provided, single submitter. Criteria: GeneDx Variant Classification (06012015). Collection method: clinical testing. Allele origin: germline. Affected: yes.
Comment: This variant is considered likely benign or benign based on one or more of the following criteria: it is a conservative change, it occurs at a poorly conserved position in the protein, it is predicted to be benign by multiple in silico algorithms, and/or has population frequency not consistent with disease.